The following is an entry in ClinVar:

NC_000009.11:g.(?_140807612)_(140811903_?)del

Gene: CACNA1B (calcium voltage-gated channel subunit alpha1 B; plus strand). Cytogenetic location: 9q34.3.
Variant type: Deletion.
Identifiers: ClinVar variation 2423355 (VCV002423355.4).

ClinVar aggregate classification (germline): Pathogenic (1 of 4 stars; one submission).

Submission:

Labcorp Genetics (formerly Invitae), Labcorp
Classification: Pathogenic. Last evaluated: 2022-04-08. Review status: criteria provided, single submitter. Criteria: Invitae Variant Classification Sherloc (09022015). Collection method: clinical testing. Allele origin: germline.
Comment: This variant is a gross deletion of the genomic region encompassing exon(s) 4-6 of the CACNA1B gene. This deletion is out-of-frame, and is expected to create a premature termination codon and result in an absent or disrupted protein product. Loss-of-function variants in CACNA1B are known to be pathogenic (PMID: 30982612). This variant has not been reported in the literature in individuals affected with CACNA1B-related conditions. For these reasons, this variant has been classified as Pathogenic.

Literature cited by the submitters: PubMed 30982612.